The following is an entry in ClinVar:

NM_000334.4(SCN4A):c.2748C>G (p.Asn916Lys)

Genes: GH-LCR (growth hormone locus control region; plus strand), SCN4A (sodium voltage-gated channel alpha subunit 4; minus strand). Cytogenetic location: 17q23.3.
Variant type: single nucleotide variant.
Coding change: c.2748C>G on transcript NM_000334.4 (MANE Select); coding-DNA position 2748, C replaced by G.
Protein change: p.Asn916Lys; replaces asparagine 916 with lysine.
Molecular consequence: missense variant.
Genome position (GRCh38, 1-based): chr17:63,951,529, G>C on the plus strand (C>G on the coding strand, the complement: SCN4A is on the minus strand). VCF-style: chr17-63951529-G-C. GRCh37 (hg19) VCF-style: chr17-62028889-G-C.
Other names: short protein forms N916K.
Identifiers: ClinVar variation 194329 (VCV000194329.21), dbSNP rs115379510, ClinGen allele CA201120.
Genomic context (GRCh38, chr17:63,951,529, plus strand): 5'-GGGCATCTCCAGGTCGGACTCCTCGGAGGCGATGGGCACCTGTATGGTCAGGTAGGGGTT[G>C]TTGATGAAGTTAAGGTGGTCCAGCTCGAGGCTGGATGGGGGGCCGTCAGCCAGGCCCATG-3'
Protein context (NP_000325.4, residues 906-926): SLELDHLNFI[Asn916Lys]NPYLTIQVPI

ClinVar aggregate classification (germline): Conflicting classifications of pathogenicity. Review status: criteria provided, conflicting classifications (1 of 4 stars). 8 submissions from 8 submitters: Uncertain significance (1); Benign (3); Likely benign (4). Last evaluated 2026-01-21.

Conditions:
Inborn genetic diseases. Identifiers: MedGen C0950123, MeSH D030342.
Hyperkalemic periodic paralysis. Also called: Familial hyperkalemic periodic paralysis; Gamstorp disease. Identifiers: Orphanet 682, MedGen C0238357, MONDO:0008224, OMIM 170500, HP:0007215.

Allele frequency attached by ClinVar (database versions not stated): gnomAD exomes 0.00026 and 0.00061; ExAC 0.00070; 1000 Genomes Project 0.00200; 1000 Genomes Project 30x 0.00219; ESP Exome Variant Server 0.00219; gnomAD 0.00234 and 0.00253; TOPMed 0.00248.
gnomAD v4.1: 739 of 1,614,024 alleles (0.046%); highest among the groups gnomAD compares: African/African-American, 0.9%; 3 homozygotes.

Submissions (8):

Labcorp Genetics (formerly Invitae), Labcorp
Classification: Benign for Hyperkalemic periodic paralysis. Last evaluated: 2026-01-21. Review status: criteria provided, single submitter. Criteria: Invitae Variant Classification Sherloc (09022015). Collection method: clinical testing. Allele origin: germline.

Mayo Clinic Laboratories, Mayo Clinic
Classification: Benign. Last evaluated: 2025-04-24. Review status: criteria provided, single submitter. Criteria: ACMG Guidelines, 2015. Collection method: clinical testing. Allele origin: germline. Observed: 1 variant allele.
Comment: BS1, BS2

Blueprint Genetics
Classification: Likely benign. Last evaluated: 2024-11-25. Review status: criteria provided, single submitter. Criteria: ACMG Guidelines, 2015. Collection method: clinical testing. Allele origin: germline.

Women's Health and Genetics/Laboratory Corporation of America, LabCorp
Classification: Likely benign. Last evaluated: 2024-11-19. Review status: criteria provided, single submitter. Criteria: LabCorp Variant Classification Summary - May 2015. Collection method: clinical testing. Allele origin: germline.
Comment: Variant summary: SCN4A c.2748C>G (p.Asn916Lys) results in a non-conservative amino acid change in the encoded protein sequence. Three of five in-silico tools predict a benign effect of the variant on protein function. The variant allele was found at a frequency of 0.00061 in 249238 control chromosomes, predominantly at a frequency of 0.0091 within the African or African-American subpopulation in the gnomAD database. The observed variant frequency within African or African-American control individuals in the gnomAD database is approximately 8.14 fold of the estimated maximal expected allele frequency for a pathogenic variant in SCN4A causing Congenital Myopathy 22A, Classic phenotype (0.0011). To our knowledge, no occurrence of c.2748C>G in individuals affected with Congenital Myopathy 22A, Classic and no experimental evidence demonstrating its impact on protein function have been reported. ClinVar contains an entry for this variant (Variation ID: 194329). Based on the evidence outlined above, the variant was classified as likely benign.

GeneDx
Classification: Likely benign. Last evaluated: 2021-09-15. Review status: criteria provided, single submitter. Criteria: GeneDx Variant Classification Process June 2021. Collection method: clinical testing. Allele origin: germline. Affected: yes.

Ambry Genetics
Classification: Uncertain significance for Inborn genetic diseases. Last evaluated: 2021-07-06. Review status: criteria provided, single submitter. Criteria: Ambry Variant Classification Scheme 2023. Collection method: clinical testing. Allele origin: germline.

Athena Diagnostics
Classification: Benign. Last evaluated: 2017-09-27. Review status: criteria provided, single submitter. Criteria: Athena Diagnostics Criteria. Collection method: clinical testing. Allele origin: germline.

Eurofins Ntd Llc (ga)
Classification: Likely benign. Last evaluated: 2014-10-31. Review status: criteria provided, single submitter. Criteria: EGL Classification Definitions 2015. Collection method: clinical testing. Allele origin: germline. Observed: 1 variant allele, 1 heterozygote.